The following is an entry in ClinVar:

ClinVar aggregate classification (germline): Pathogenic/Likely pathogenic. Review status: criteria provided, multiple submitters, no conflicts (2 of 4 stars). 19 submissions from 19 submitters: Pathogenic (10); Likely pathogenic (8). 1 of the submissions does not count toward it. Last evaluated 2026-05-01.

Conditions:
TNNI3-related disorder. Also called: TNNI3-related condition; TNNI3-related disorders.
Cardiovascular phenotype. Identifiers: MedGen CN230736.
Dilated cardiomyopathy 2A (CMD2A). Also called: CARDIOMYOPATHY, CONGESTIVE, AUTOSOMAL RECESSIVE; CARDIOMYOPATHY, DILATED, AUTOSOMAL RECESSIVE. Identifiers: Orphanet 154, MedGen C2678474, MONDO:0012746, OMIM 611880.
Cardiomyopathy, familial restrictive, 1. Identifiers: Orphanet 75249, MedGen C1861861, MONDO:0007270, OMIM 115210.
Dilated cardiomyopathy 1FF (CMD1FF). Identifiers: Orphanet 154, MedGen C2750091, MONDO:0013211, OMIM 613286.
Hypertrophic cardiomyopathy 7. Also called: TNNI3-Related Familial Hypertrophic Cardiomyopathy; Familial hypertrophic cardiomyopathy 7; CARDIOMYOPATHY, FAMILIAL HYPERTROPHIC, 7, MODIFIER OF. Identifiers: MedGen C1860752, MONDO:0013369, OMIM 613690.
Cardiomyopathy (CMYO). Also called: Cardiomyopathies. Identifiers: Orphanet 167848, MedGen C0878544, MONDO:0004994, HP:0001638. Inheritance: Various modes of inheritance.
Hypertrophic cardiomyopathy. Also called: HYPERTROPHIC MYOCARDIOPATHY. Identifiers: Orphanet 217569, MedGen C0007194, MeSH D002312, MONDO:0005045, HP:0001639.

Allele frequency attached by ClinVar (database versions not stated): gnomAD exomes 0.00001 and 0.00002; ExAC 0.00002; TOPMed 0.00002.
gnomAD v4.1: 17 of 1,613,394 alleles (0.0011%); highest among the groups gnomAD compares: East Asian, 0.0067%; no homozygotes.

Submissions 1 to 4 of 19:

CeGaT Center for Human Genetics Tuebingen
Classification: Pathogenic. Last evaluated: 2026-05-01. Review status: criteria provided, single submitter. Criteria: CeGaT Center For Human Genetics Tuebingen Variant Classification Criteria Version 2. Collection method: clinical testing. Allele origin: germline. Affected: yes. Observed: 4 variant alleles.
Comment: TNNI3: PS4, PM1, PM5, PM2:Supporting, PS3:Supporting

3billion
Classification: Pathogenic for Hypertrophic cardiomyopathy 7. Last evaluated: 2026-01-13. Review status: criteria provided, single submitter. Criteria: ACMG Guidelines, 2015. Collection method: clinical testing. Allele origin: germline. Affected: yes.
Comment: The variant is observed at an extremely low frequency in the gnomAD v4.1.0 dataset (total allele frequency: 0.001%). Predicted Consequence/Location: Missense variant Functional studies provide strong evidence of the variant having a damaging effect on the gene or gene product (PMID: 11735257). In silico tool predictions suggest damaging effect of the variant on gene or gene product [REVEL: 0.80 (>=0.6, sensitivity 0.68 and specificity 0.92); 3Cnet: 0.99 (> 0.75, sensitivity 0.96 and precision 0.92)]. The same nucleotide change resulting in the same amino acid change has been previously reported as pathogenic/likely pathogenic with strong evidence (ClinVar ID: VCV000043384 /PMID: 9241277 /3billion dataset). The variant has been reported to co-segregate with the disease in at least 7 similarly affected relatives/individuals in at least two unrelated families (PMID: 15607392, 23283745, 24111713, 25132132, 9241277). Different missense changes at the same codon (p.Arg145Gly, p.Arg145Trp) have been reported as pathogenic/likely pathogenic with strong evidence (ClinVar ID: VCV000012419, VCV000012426 /PMID: 12531876, 9241277 /3billion dataset). Therefore, this variant is classified as Pathogenic according to the recommendation of ACMG/AMP guideline.

Labcorp Genetics (formerly Invitae), Labcorp
Classification: Pathogenic for Hypertrophic cardiomyopathy. Last evaluated: 2025-12-03. Review status: criteria provided, single submitter. Criteria: Invitae Variant Classification Sherloc (09022015). Collection method: clinical testing. Allele origin: germline.
Comment: This sequence change replaces arginine, which is basic and polar, with glutamine, which is neutral and polar, at codon 145 of the TNNI3 protein (p.Arg145Gln). This variant is present in population databases (rs397516349, gnomAD 0.01%). This missense change has been observed in individuals with autosomal dominant hypertrophic cardiomyopathy (PMID: 9241277, 15607392, 23283745, 24111713, 25132132). ClinVar contains an entry for this variant (Variation ID: 43384). An algorithm developed specifically for the TNNI3 gene suggests that this missense change is likely to be deleterious (PMID: 21310275). Experimental studies have shown that this missense change affects TNNI3 function (PMID: 11735257). This variant disrupts the p.Arg145 amino acid residue in TNNI3. Other variant(s) that disrupt this residue have been determined to be pathogenic (PMID: 11735257, 20641121, 23610579). This suggests that this residue is clinically significant, and that variants that disrupt this residue are likely to be disease-causing. For these reasons, this variant has been classified as Pathogenic.

Ambry Genetics
Classification: Likely pathogenic for Cardiovascular phenotype. Last evaluated: 2025-11-10. Review status: criteria provided, single submitter. Criteria: Ambry Variant Classification Scheme 2023. Collection method: clinical testing. Allele origin: germline.
Comment: The c.434G>A (p.R145Q) alteration is located in exon 7 (coding exon 7) of the TNNI3 gene. This alteration results from a G to A substitution at nucleotide position 434, causing the arginine (R) at amino acid position 145 to be replaced by a glutamine (Q). for autosomal dominant TNNI3-related cardiomyopathy; however, its clinical significance for autosomal recessive TNNI3-related dilated cardiomyopathy is uncertain. Based on data from gnomAD, the A allele has an overall frequency of 0.002% (4/248984) total alleles studied. The highest observed frequency was 0.011% (2/17974) of East Asian alleles. This variant was reported in individual(s) with features consistent with hypertrophic cardiomyopathy (HCM) and restrictive cardiomyopathy (RCM) and segregated with disease in at least one family (Kimura, 1997; Mogensen, 2004; van den Wijngaard, 2011; Zou, 2013; Berge, 2014; Wang, 2014; Kim, 2020; Robyns, 2017; Al-Shafai, 2021). This amino acid position is well conserved in available vertebrate species. In vitro functional studies indicate this variant results in reduced intrinsic inhibitory activity, increased calcium sensitivity of myofibrillar ATPase activity and increased force generation of skinned muscle fibers (Takahashi-Yanaga, 2001). This alteration is predicted to be deleterious by in silico analysis. Based on the available evidence, this alteration is classified as likely pathogenic.

NM_000363.5(TNNI3):c.434G>A (p.Arg145Gln)

Gene: TNNI3 (troponin I3, cardiac type; minus strand). Cytogenetic location: 19q13.42.
Variant type: single nucleotide variant.
Coding change: c.434G>A on transcript NM_000363.5 (MANE Select); coding-DNA position 434, G replaced by A.
Protein change: p.Arg145Gln; replaces arginine 145 with glutamine.
Molecular consequence: missense variant.
Genome position (GRCh38, 1-based): chr19:55,154,145, C>T on the plus strand (G>A on the coding strand, the complement: TNNI3 is on the minus strand). VCF-style: chr19-55154145-C-T. GRCh37 (hg19) VCF-style: chr19-55665513-C-T.
Other names: p.R145Q:CGG>CAG; short protein forms R145Q.
Identifiers: ClinVar variation 43384 (VCV000043384.81), dbSNP rs397516349, ClinGen allele CA021673.